The following is an entry in ClinVar:

ClinVar aggregate classification (germline): Benign/Likely benign. Review status: criteria provided, multiple submitters, no conflicts (2 of 4 stars). 2 submissions from 2 submitters: Benign (1); Likely benign (1). Last evaluated 2025-02-11.

Conditions:
Colorectal cancer, susceptibility to, 12 (CRCS12). Also called: COLORECTAL CANCER, SUSCEPTIBILITY TO, ON CHROMOSOME 12q24. Identifiers: Orphanet 220460, MedGen C3554460, MONDO:0014038, OMIM 615083.

Submissions (2):

Myriad Genetics, Inc.
Classification: Benign for Colorectal cancer, susceptibility to, 12. Last evaluated: 2025-02-11. Review status: criteria provided, single submitter. Criteria: Myriad Autosomal Dominant, Autosomal Recessive and X-Linked Classification Criteria (2023). Collection method: clinical testing. Allele origin: unknown.
Comment: This variant is considered benign. This variant is a silent/synonymous amino acid change and it is not expected to impact splicing.

Labcorp Genetics (formerly Invitae), Labcorp
Classification: Likely benign. Last evaluated: 2018-03-11. Review status: criteria provided, single submitter. Criteria: Invitae Variant Classification Sherloc (09022015). Collection method: clinical testing. Allele origin: germline.

NM_006231.4(POLE):c.1383A>T (p.Ser461=)

Gene: POLE (DNA polymerase epsilon, catalytic subunit; minus strand). Cytogenetic location: 12q24.33.
Variant type: single nucleotide variant.
Coding change: c.1383A>T on transcript NM_006231.4 (MANE Select); coding-DNA position 1383, A replaced by T.
Protein change: p.Ser461=; no amino-acid change (serine 461 retained).
Molecular consequence: synonymous variant.
Genome position (GRCh38, 1-based): chr12:132,673,254, T>A on the plus strand (A>T on the coding strand, the complement: POLE is on the minus strand). VCF-style: chr12-132673254-T-A. GRCh37 (hg19) VCF-style: chr12-133249840-T-A.
Identifiers: ClinVar variation 753755 (VCV000753755.9), dbSNP rs1565972617, ClinGen allele CA482722703.